The following is an entry in ClinVar:

ClinVar aggregate classification (germline): Uncertain significance (1 of 4 stars; one submission).

Conditions:
Charcot-Marie-Tooth disease type 2B (CMT2B). Also called: CHARCOT-MARIE-TOOTH DISEASE, AUTOSOMAL DOMINANT, TYPE 2B; HEREDITARY MOTOR AND SENSORY NEUROPATHY IIB; Charcot-Marie-Tooth Neuropathy Type 2B; CHARCOT-MARIE-TOOTH DISEASE, AXONAL, TYPE 2B. Identifiers: Orphanet 99936, MedGen C1833219, MONDO:0010949, OMIM 600882.

Allele frequency attached by ClinVar (database versions not stated): TOPMed below 0.00001.

Submission:

Labcorp Genetics (formerly Invitae), Labcorp
Classification: Uncertain significance for Charcot-Marie-Tooth disease type 2B. Last evaluated: 2023-11-19. Review status: criteria provided, single submitter. Criteria: Invitae Variant Classification Sherloc (09022015). Collection method: clinical testing. Allele origin: germline.
Comment: This sequence change replaces methionine, which is neutral and non-polar, with valine, which is neutral and non-polar, at codon 51 of the RAB7A protein (p.Met51Val). This variant is not present in population databases (gnomAD no frequency). This variant has not been reported in the literature in individuals affected with RAB7A-related conditions. An algorithm developed to predict the effect of missense changes on protein structure and function (PolyPhen-2) suggests that this variant is likely to be tolerated. In summary, the available evidence is currently insufficient to determine the role of this variant in disease. Therefore, it has been classified as a Variant of Uncertain Significance.

NM_004637.6(RAB7A):c.151A>G (p.Met51Val)

Gene: RAB7A (RAB7A, member RAS oncogene family; plus strand). Cytogenetic location: 3q21.3.
Variant type: single nucleotide variant.
Coding change: c.151A>G on transcript NM_004637.6 (MANE Select); coding-DNA position 151, A replaced by G.
Protein change: p.Met51Val; replaces methionine 51 with valine.
Molecular consequence: missense variant.
Genome position (GRCh38, 1-based): chr3:128,798,040, A>G. VCF-style: chr3-128798040-A-G. GRCh37 (hg19) VCF-style: chr3-128516883-A-G.
Other names: short protein forms M51V.
Identifiers: ClinVar variation 2839728 (VCV002839728.3), dbSNP rs1228959786, ClinGen allele CA354707893.